The following is an entry in ClinVar:

ClinVar aggregate classification (germline): Benign/Likely benign. Review status: criteria provided, multiple submitters, no conflicts (2 of 4 stars). 5 submissions from 5 submitters: Benign (4); Likely benign (1). Last evaluated 2026-01-04.

Conditions:
Long QT syndrome (LQTS). Identifiers: MedGen C0023976, MeSH D008133, MONDO:0002442. Disease mechanism: loss of function. Inheritance: Various modes of inheritance.
Cardiac arrhythmia, ankyrin-B-related. Also called: ANKYRIN-B SYNDROME. Identifiers: Orphanet 101016, Orphanet 768, MedGen C1970119, MONDO:0010958, OMIM 600919.

Allele frequency attached by ClinVar (database versions not stated): ESP Exome Variant Server 0.00261; gnomAD exomes 0.00053; ExAC 0.00060; gnomAD 0.00192 and 0.00207; TOPMed 0.00212; 1000 Genomes Project 0.00220; 1000 Genomes Project 30x 0.00250.
gnomAD v4.1: 647 of 1,614,092 alleles (0.04%); highest among the groups gnomAD compares: African/African-American, 0.56%; 4 homozygotes.

Submissions (5):

Labcorp Genetics (formerly Invitae), Labcorp
Classification: Benign for Long QT syndrome. Last evaluated: 2026-01-04. Review status: criteria provided, single submitter. Criteria: Invitae Variant Classification Sherloc (09022015). Collection method: clinical testing. Allele origin: germline.

Blueprint Genetics
Classification: Likely benign. Last evaluated: 2024-11-19. Review status: criteria provided, single submitter. Criteria: ACMG Guidelines, 2015. Collection method: clinical testing. Allele origin: germline.

Genome-Nilou Lab
Classification: Benign for Cardiac arrhythmia, ankyrin-B-related. Last evaluated: 2021-12-05. Review status: criteria provided, single submitter. Criteria: ACMG Guidelines, 2015. Collection method: clinical testing. Allele origin: germline. Affected: no.

ARUP Laboratories, Molecular Genetics and Genomics, ARUP Laboratories
Classification: Benign. Last evaluated: 2019-04-01. Review status: criteria provided, single submitter. Criteria: ARUP Molecular Germline Variant Investigation Process. Collection method: clinical testing. Allele origin: germline.

GeneDx
Classification: Benign. Last evaluated: 2015-12-03. Review status: criteria provided, single submitter. Criteria: GeneDx Variant Classification (06012015). Collection method: clinical testing. Allele origin: germline. Affected: yes.
Comment: This variant is considered likely benign or benign based on one or more of the following criteria: it is a conservative change, it occurs at a poorly conserved position in the protein, it is predicted to be benign by multiple in silico algorithms, and/or has population frequency not consistent with disease.

NM_001148.6(ANK2):c.11860-18T>G

Gene: ANK2 (ankyrin 2; plus strand). Cytogenetic location: 4q26.
Variant type: single nucleotide variant.
Coding change: c.11860-18T>G on transcript NM_001148.6 (MANE Select); 18 bases into the intron before coding-DNA position 11860, T replaced by G.
Molecular consequence: intron variant.
Genome position (GRCh38, 1-based): chr4:113,381,439, T>G. VCF-style: chr4-113381439-T-G. GRCh37 (hg19) VCF-style: chr4-114302595-T-G.
Other names: c.5773-18T>G (NM_001386186.2); c.5590-18T>G (NM_001386148.2); c.5392-18T>G (NM_001354269.3); c.5470-18T>G (NM_001386187.2); c.5614-18T>G (NM_001386147.1); c.5632-18T>G (NM_001386160.1, NM_001354244.2); c.5554-18T>G (NM_001354254.2); c.5668-18T>G (NM_001354239.2); and 57 more.
Identifiers: ClinVar variation 136399 (VCV000136399.18), dbSNP rs138978479, ClinGen allele CA289475.